The following is an entry in ClinVar:

NM_005051.3(QARS1):c.1028A>G (p.Tyr343Cys)

Gene: QARS1 (glutaminyl-tRNA synthetase 1; minus strand). Cytogenetic location: 3p21.31.
Variant type: single nucleotide variant.
Coding change: c.1028A>G on transcript NM_005051.3 (MANE Select); coding-DNA position 1028, A replaced by G.
Protein change: p.Tyr343Cys; replaces tyrosine 343 with cysteine.
Molecular consequence: missense variant. On other transcripts: non-coding transcript variant (1).
Genome position (GRCh38, 1-based): chr3:49,100,407, T>C on the plus strand (A>G on the coding strand, the complement: QARS1 is on the minus strand). VCF-style: chr3-49100407-T-C. GRCh37 (hg19) VCF-style: chr3-49137840-T-C.
Other names: c.995A>G, p.Tyr332Cys (NM_001272073.2); short protein forms Y332C, Y343C.
Identifiers: ClinVar variation 1405624 (VCV001405624.6), dbSNP rs2042454007, ClinGen allele CA352711110.

ClinVar aggregate classification (germline): Uncertain significance (1 of 4 stars; one submission).

Conditions:
Diffuse cerebral and cerebellar atrophy - intractable seizures - progressive microcephaly syndrome. Also called: Microcephaly, progressive, with seizures and cerebral and cerebellar atrophy. Identifiers: Orphanet 404437, MedGen C4014239, MONDO:0014335, OMIM 615760.

Allele frequency attached by ClinVar (database versions not stated): gnomAD 0.00001.
gnomAD v4.1: 2 of 1,614,120 alleles (0.00012%); highest among the groups gnomAD compares: African/African-American, 0.0013%; no homozygotes.

Submission:

Labcorp Genetics (formerly Invitae), Labcorp
Classification: Uncertain significance for Diffuse cerebral and cerebellar atrophy - intractable seizures - progressive microcephaly syndrome. Last evaluated: 2022-09-01. Review status: criteria provided, single submitter. Criteria: Invitae Variant Classification Sherloc (09022015). Collection method: clinical testing. Allele origin: germline.
Comment: This variant has not been reported in the literature in individuals affected with QARS-related conditions. This variant is not present in population databases (gnomAD no frequency). This sequence change replaces tyrosine, which is neutral and polar, with cysteine, which is neutral and slightly polar, at codon 343 of the QARS protein (p.Tyr343Cys). In summary, the available evidence is currently insufficient to determine the role of this variant in disease. Therefore, it has been classified as a Variant of Uncertain Significance. Algorithms developed to predict the effect of sequence changes on RNA splicing suggest that this variant may create or strengthen a splice site. Algorithms developed to predict the effect of missense changes on protein structure and function (SIFT, PolyPhen-2, Align-GVGD) all suggest that this variant is likely to be disruptive. ClinVar contains an entry for this variant (Variation ID: 1405624).